The following is an entry in ClinVar:

ClinVar aggregate classification (germline): Uncertain significance (1 of 4 stars; one submission).

Allele frequency attached by ClinVar (database versions not stated): gnomAD 0.00010 and 0.00003; TOPMed 0.00002.

Submission:

GeneDx
Classification: Uncertain significance. Last evaluated: 2018-09-19. Review status: criteria provided, single submitter. Criteria: GeneDx Variant Classification (06012015). Collection method: clinical testing. Allele origin: germline. Affected: yes.
Comment: This variant is denoted AXIN2 c.-123G>A and describes a nucleotide substitution 123 base pairsupstream of the ATG translational start site in the 5' untranslated region (UTR). The surrounding sequence, with thebase that is substituted in braces, is TGCT[G/A]TAAA. This variant has not, to our knowledge, been published in theliterature as pathogenic or benign. AXIN2 c.-123G>A does not appear to affect the start codon or the Kozaktranslational consensus sequence. This variant occurs at a position that is conserved through mammals. No data areavailable from control populations to assess the frequency of this variant (NHLBI Exome Sequencing Project, The 1000Genomes Consortium 2015, Lek 2016). Based on currently available information, it is unclear whether AXIN2 c.-123G>A is pathogenic or benign. We consider it to be a variant of uncertain significance

NM_004655.4(AXIN2):c.-123G>A

Gene: AXIN2 (axin 2; minus strand). Cytogenetic location: 17q24.1.
Variant type: single nucleotide variant.
Coding change: c.-123G>A on transcript NM_004655.4 (MANE Select); 123 bases upstream of the start codon, G replaced by A.
Molecular consequence: 5 prime UTR variant.
Genome position (GRCh38, 1-based): chr17:65,561,456, C>T on the plus strand (G>A on the coding strand, the complement: AXIN2 is on the minus strand). VCF-style: chr17-65561456-C-T. GRCh37 (hg19) VCF-style: chr17-63557574-C-T.
Other names: c.-123G>A (NM_001363813.1, LRG_296t1).
Identifiers: ClinVar variation 448988 (VCV000448988.2), dbSNP rs890219053, ClinGen allele CA293108046.